The following is an entry in ClinVar:

ClinVar aggregate classification (germline): Uncertain significance (1 of 4 stars; one submission).

Allele frequency attached by ClinVar (database versions not stated): TOPMed below 0.00001; ExAC 0.00001; gnomAD 0.00001.

Submission:

Labcorp Genetics (formerly Invitae), Labcorp
Classification: Uncertain significance. Last evaluated: 2025-10-22. Review status: criteria provided, single submitter. Criteria: Invitae Variant Classification Sherloc (09022015). Collection method: clinical testing. Allele origin: germline.
Comment: This variant occurs in the SNORD118 gene, which encodes an RNA molecule that does not result in a protein product. This variant is not present in population databases (gnomAD no frequency). This variant has been observed in individual(s) with clinical features of cerebral microangiopathy leukoencephalopathy with calcifications and cysts (internal data). In at least one individual the data is consistent with being in trans (on the opposite chromosome) from a pathogenic variant. ClinVar contains an entry for this variant (Variation ID: 2092868). In summary, the available evidence is currently insufficient to determine the role of this variant in disease. Therefore, it has been classified as a Variant of Uncertain Significance.

NR_033294.2(SNORD118):n.26dup

Genes: SNORD118 (small nucleolar RNA, C/D box 118; minus strand), TMEM107 (transmembrane protein 107; minus strand). Cytogenetic location: 17p13.1.
Variant type: Duplication.
Molecular consequence: non-coding transcript variant (on NR_033294.2). On other transcripts: 3 prime UTR variant (5).
Genome position: GRCh38 VCF-style: chr17-8173562-C-CA. GRCh37 (hg19) VCF-style: chr17-8076880-C-CA.
Other names: c.*640dup (NM_001351278.2, NM_001351279.2, NM_001351280.2 and 2 more transcripts).
Identifiers: ClinVar variation 2092868 (VCV002092868.4), dbSNP rs1555525640, ClinGen allele CA8370794.
Genomic context (GRCh38, chr17:8,173,562, plus strand): 5'-GTTAATCACGTTTCATGCATCTCCAATCATCATGTTCTAATCTGCCCTCCGGAGGAGGAA[C>CA]AGGTAAGGATTATCCCACCTGACGATACAGACAAACAGCCGACATTCTGCACTCAGTGAA-3'